The following is an entry in ClinVar:

NM_001369.3(DNAH5):c.10555+1G>C

Gene: DNAH5 (dynein axonemal heavy chain 5; minus strand). Cytogenetic location: 5p15.2.
Variant type: single nucleotide variant.
Coding change: c.10555+1G>C on transcript NM_001369.3 (MANE Select); the canonical splice donor site of the intron after coding-DNA position 10555, G replaced by C.
Molecular consequence: splice donor variant.
Genome position (GRCh38, 1-based): chr5:13,754,202, C>G on the plus strand (G>C on the coding strand, the complement: DNAH5 is on the minus strand). VCF-style: chr5-13754202-C-G. GRCh37 (hg19) VCF-style: chr5-13754311-C-G.
Other names: c.10555+1G>C (NM_001369.2).
Identifiers: ClinVar variation 3591763 (VCV003591763.2).

ClinVar aggregate classification (germline): Likely pathogenic. Review status: criteria provided, multiple submitters, no conflicts (2 of 4 stars). 2 submissions from 2 submitters: Likely pathogenic (2). Last evaluated 2024-07-02.

Conditions:
Primary ciliary dyskinesia. Also called: Ciliary dyskinesia. Identifiers: Orphanet 244, MedGen C0008780, MONDO:0016575, HP:0012265.
Primary ciliary dyskinesia 3. Identifiers: Orphanet 244, MedGen C1837618, MONDO:0012085, OMIM 608644.

gnomAD v4.1: 1 of 1,614,016 alleles (0.000062%); highest among the groups gnomAD compares: Non-Finnish European, 0.000085%; no homozygotes.

Submissions (2):

Natera, Inc.
Classification: Likely pathogenic for Primary ciliary dyskinesia. Last evaluated: 2024-07-02. Review status: criteria provided, single submitter. Criteria: Natera Variant Classification Schema (03/2026). Collection method: clinical testing. Allele origin: germline.
Comment: The c.10555+1G>C variant in DNAH5 is a canonical splice donor site variant predicted to affect pre-mRNA splicing, which may result in an abnormal transcript and altered protein product. This variant is expected to result in nonsense mediated decay, truncation, or a dysfunctional protein product. This variant is rare in the general population with a frequency below the threshold expected for the associated phenotype(s). Given the available evidence, this variant is classified as Likely Pathogenic.

Fulgent Genetics
Classification: Likely pathogenic for Primary ciliary dyskinesia 3. Last evaluated: 2024-04-26. Review status: criteria provided, single submitter. Criteria: ACMG Guidelines, 2015. Collection method: clinical testing. Allele origin: germline.